The following is an entry in ClinVar:

NR_003051.3(RMRP):n.-22_-11dup

Gene: RMRP (RNA component of mitochondrial RNA processing endoribonuclease; minus strand). Cytogenetic location: 9p13.3.
Variant type: Duplication.
Genome position: GRCh38 VCF-style: chr9-35658028-G-GCTTCACAGAGTA. GRCh37 (hg19) VCF-style: chr9-35658025-G-GCTTCACAGAGTA.
Identifiers: ClinVar variation 929122 (VCV000929122.4), dbSNP rs1179735603, ClinGen allele CA863578811.

ClinVar aggregate classification (germline): Pathogenic/Likely pathogenic. Review status: criteria provided, multiple submitters, no conflicts (2 of 4 stars). 2 submissions from 2 submitters: Pathogenic (1); Likely pathogenic (1). Last evaluated 2023-07-04.

Conditions:
Anauxetic dysplasia. Identifiers: Orphanet 93347, MedGen C1846796, MONDO:0011773.
Metaphyseal chondrodysplasia, McKusick type (CHH). Also called: Cartilage-hair hypoplasia; Cartilage-Hair Hypoplasia (CHH). Identifiers: Orphanet 175, MedGen C0220748, MONDO:0009595, OMIM 250250.

Allele frequency attached by ClinVar (database versions not stated): TOPMed 0.00001.

Submissions (2):

Labcorp Genetics (formerly Invitae), Labcorp
Classification: Pathogenic for Anauxetic dysplasia. Last evaluated: 2023-07-04. Review status: criteria provided, single submitter. Criteria: Invitae Variant Classification Sherloc (09022015). Collection method: clinical testing. Allele origin: germline.
Comment: For these reasons, this variant has been classified as Pathogenic. While functional studies for this variant have not been reported, experimental analyses using patient derived cells, as well as in vitro transfection studies, have shown that promoter insertions result in silencing of RMRP transcription and reduced expression of the gene product (PMID: 11207361, 16254002). ClinVar contains an entry for this variant (Variation ID: 929122). While this particular variant has not been reported in the literature, it is located in the promoter region between the TATA box and the transcription initiation site, and other insertions and duplications immediately upstream of the coding sequence have been reported in individuals affected with cartilage-hair hypoplasia-anauxetic dysplasia (CHH-AD) spectrum disorders (PMID: 16244706, 11207361, 12107819). This variant is not present in population databases (gnomAD no frequency). This variant occurs in the RMRP gene, which encodes an RNA molecule that does not result in a protein product.

Women's Health and Genetics/Laboratory Corporation of America, LabCorp
Classification: Likely pathogenic for Metaphyseal chondrodysplasia, McKusick type. Last evaluated: 2019-09-27. Review status: criteria provided, single submitter. Criteria: LabCorp Variant Classification Summary - May 2015. Collection method: clinical testing. Allele origin: germline.
Comment: Variant summary: The variant, RMRP n.-22_-11dup12 (n.-22_-11dupTACTCTGTGAAG) involves the duplication of 12 nucleotides in the promoter region of RMRP, which is located between the TATA box (-33 to -25) and the transcription initiation site. Multiple duplication variants in this promoter region have been reported pathogenic/likely pathogenic (internally, in ClinVar and HGMD). The variant was absent in 125872 control chromosome (gnomAD). The available data on variant occurrences in the general population are insufficient to allow any conclusion about variant significance. To our knowledge, no occurrence of n.-22_-11dup12 in individuals affected with Cartilage-Hair Hypoplasia and no experimental evidence demonstrating its impact on protein function have been reported. No clinical diagnostic laboratories have submitted clinical-significance assessments for this variant to ClinVar after 2014. Based on the evidence outlined above, the variant was classified as likely pathogenic.

Literature cited by the submitters: PubMed 11207361 (cited by Labcorp Genetics (formerly Invitae), Labcorp); PubMed 16254002 (cited by Labcorp Genetics (formerly Invitae), Labcorp); PubMed 16244706 (cited by Labcorp Genetics (formerly Invitae), Labcorp); PubMed 12107819 (cited by Labcorp Genetics (formerly Invitae), Labcorp).